The following is an entry in ClinVar:

NM_004064.5(CDKN1B):c.340C>T (p.Pro114Ser)

Gene: CDKN1B (cyclin dependent kinase inhibitor 1B; plus strand). Cytogenetic location: 12p13.1.
Variant type: single nucleotide variant.
Coding change: c.340C>T on transcript NM_004064.5 (MANE Select); coding-DNA position 340, C replaced by T.
Protein change: p.Pro114Ser; replaces proline 114 with serine.
Molecular consequence: missense variant.
Genome position (GRCh38, 1-based): chr12:12,718,179, C>T. VCF-style: chr12-12718179-C-T. GRCh37 (hg19) VCF-style: chr12-12871113-C-T.
Other names: short protein forms P114S.
Identifiers: ClinVar variation 3489622 (VCV003489622.1).
Genomic context (GRCh38, chr12:12,718,179, plus strand): 5'-CCCCCCAAAGGTGCCTGCAAGGTGCCGGCGCAGGAGAGCCAGGATGTCAGCGGGAGCCGC[C>T]CGGCGGCGCCTTTAATTGGGGCTCCGGCTAACTCTGAGGACACGCATTTGGTGGACCCAA-3'
Protein context (NP_004055.1, residues 104-124): QESQDVSGSR[Pro114Ser]AAPLIGAPAN

ClinVar aggregate classification (germline): Uncertain significance (1 of 4 stars; one submission).

Conditions:
Hereditary cancer-predisposing syndrome. Also called: Tumor predisposition; Neoplastic Syndromes, Hereditary; Hereditary Cancer Syndrome; Hereditary neoplastic syndrome. Identifiers: Orphanet 140162, MedGen C0027672, MeSH D009386, MONDO:0015356.

Submission:

Ambry Genetics
Classification: Uncertain significance for Hereditary cancer-predisposing syndrome. Last evaluated: 2024-07-17. Review status: criteria provided, single submitter. Criteria: Ambry Variant Classification Scheme 2023. Collection method: clinical testing. Allele origin: germline.
Comment: The p.P114S variant (also known as c.340C>T), located in coding exon 1 of the CDKN1B gene, results from a C to T substitution at nucleotide position 340. The proline at codon 114 is replaced by serine, an amino acid with similar properties. This amino acid position is conserved. In addition, this alteration is predicted to be tolerated by in silico analysis. Based on the available evidence, the clinical significance of this variant remains unclear.